The following is an entry in ClinVar:

NM_016507.4(CDK12):c.1238C>T (p.Ala413Val)

Gene: CDK12 (cyclin dependent kinase 12; plus strand). Cytogenetic location: 17q12.
Variant type: single nucleotide variant.
Coding change: c.1238C>T on transcript NM_016507.4 (MANE Select); coding-DNA position 1238, C replaced by T.
Protein change: p.Ala413Val; replaces alanine 413 with valine.
Molecular consequence: missense variant.
Genome position (GRCh38, 1-based): chr17:39,471,070, C>T. VCF-style: chr17-39471070-C-T. GRCh37 (hg19) VCF-style: chr17-37627323-C-T.
Other names: c.1238C>T, p.Ala413Val (NM_015083.4); short protein forms A413V.
Identifiers: ClinVar variation 4844506 (VCV004844506.1).

ClinVar aggregate classification (germline): Uncertain significance (1 of 4 stars; one submission).

Submission:

Ambry Genetics
Classification: Uncertain significance. Last evaluated: 2026-02-16. Review status: criteria provided, single submitter. Criteria: Ambry Variant Classification Scheme 2023. Collection method: clinical testing. Allele origin: germline.
Comment: The p.A413V variant (also known as c.1238C>T), located in coding exon 2 of the CDK12 gene, results from a C to T substitution at nucleotide position 1238. The alanine at codon 413 is replaced by valine, an amino acid with similar properties. This amino acid position is conserved. In addition, this alteration is predicted to be tolerated by in silico analysis. Based on the available evidence, the clinical significance of this variant remains unclear.